The following is an entry in ClinVar:

NM_001267052.2(UNC45B):c.1130A>G (p.Lys377Arg)

Gene: UNC45B (unc-45 myosin chaperone B; plus strand). Cytogenetic location: 17q12.
Variant type: single nucleotide variant.
Coding change: c.1130A>G on transcript NM_001267052.2 (MANE Select); coding-DNA position 1130, A replaced by G.
Protein change: p.Lys377Arg; replaces lysine 377 with arginine.
Molecular consequence: missense variant.
Genome position (GRCh38, 1-based): chr17:35,164,145, A>G. VCF-style: chr17-35164145-A-G. GRCh37 (hg19) VCF-style: chr17-33491164-A-G.
Other names: c.1130A>G, p.Lys377Arg (NM_001033576.2, NM_001308281.1, NM_173167.3); short protein forms K377R.
Identifiers: ClinVar variation 682391 (VCV000682391.36), dbSNP rs41389545, ClinGen allele CA8501050.

ClinVar aggregate classification (germline): Benign. Review status: criteria provided, multiple submitters, no conflicts (2 of 4 stars). 4 submissions from 4 submitters: Benign (4). Last evaluated 2026-08-01.

Allele frequency attached by ClinVar (database versions not stated): 1000 Genomes Project 30x 0.00312; 1000 Genomes Project 0.00359; TOPMed 0.00671; ESP Exome Variant Server 0.00761; gnomAD 0.00796 and 0.00803.
gnomAD v4.1: 15,407 of 1,612,850 alleles (0.96%); highest among the groups gnomAD compares: Non-Finnish European, 1.1%; 84 homozygotes.

Submissions (4):

CeGaT Center for Human Genetics Tuebingen
Classification: Benign. Last evaluated: 2026-08-01. Review status: criteria provided, single submitter. Criteria: CeGaT Center For Human Genetics Tuebingen Variant Classification Criteria Version 2. Collection method: clinical testing. Allele origin: germline. Affected: yes. Observed: 12 variant alleles.
Comment: UNC45B: BP4, BS1, BS2

Labcorp Genetics (formerly Invitae), Labcorp
Classification: Benign. Last evaluated: 2026-01-22. Review status: criteria provided, single submitter. Criteria: Invitae Variant Classification Sherloc (09022015). Collection method: clinical testing. Allele origin: germline.

GeneDx
Classification: Benign. Last evaluated: 2020-02-04. Review status: criteria provided, single submitter. Criteria: GeneDx Variant Classification Process June 2021. Collection method: clinical testing. Allele origin: germline. Affected: yes.

Breakthrough Genomics
Classification: Benign. Review status: criteria provided, single submitter. Criteria: ACMG Guidelines, 2015. Collection method: not provided. Allele origin: germline. Inheritance: Autosomal recessive inheritance. Affected: yes.